The following is an entry in ClinVar:

NM_022463.5(NXN):c.447C>T (p.Asn149=)

Gene: NXN (nucleoredoxin; minus strand). Cytogenetic location: 17p13.3.
Variant type: single nucleotide variant.
Coding change: c.447C>T on transcript NM_022463.5 (MANE Select); coding-DNA position 447, C replaced by T.
Protein change: p.Asn149=; no amino-acid change (asparagine 149 retained).
Molecular consequence: synonymous variant.
Genome position (GRCh38, 1-based): chr17:825,992, G>A on the plus strand (C>T on the coding strand, the complement: NXN is on the minus strand). VCF-style: chr17-825992-G-A. GRCh37 (hg19) VCF-style: chr17-729232-G-A.
Other names: c.123C>T, p.Asn41= (NM_001205319.1).
Identifiers: ClinVar variation 777082 (VCV000777082.13), dbSNP rs61731765, ClinGen allele CA8264219.
Genomic context (GRCh38, chr17:825,992, plus strand): 5'-AGGACCATATGCACGGGCTGAGGTTTTACCTTCTGGGTCATCTCGGATCACCAGCAGCCC[G>A]TTCCTGCACACAACCTTCCCAGTGGTGGCGTCGAGGAATATTAGTGATGGAATGTTGGAA-3'
Protein context (NP_071908.2, residues 139-159): DATTGKVVCR[Asn149=]GLLVIRDDPE

ClinVar aggregate classification (germline): Benign. Review status: criteria provided, multiple submitters, no conflicts (2 of 4 stars). 3 submissions from 3 submitters: Benign (2). 1 of the submissions does not count toward it. Last evaluated 2026-02-01.

Conditions:
NXN-related disorder. Also called: NXN-related condition.

Allele frequency attached by ClinVar (database versions not stated): gnomAD exomes 0.00227 and 0.00570; ExAC 0.00709; gnomAD 0.02233 and 0.02401; 1000 Genomes Project 0.02316; ESP Exome Variant Server 0.02483; 1000 Genomes Project 30x 0.02545; TOPMed 0.02575.
gnomAD v4.1: 6,843 of 1,613,434 alleles (0.42%); highest among the groups gnomAD compares: African/African-American, 7.8%; 239 homozygotes.

Submissions (3):

Labcorp Genetics (formerly Invitae), Labcorp
Classification: Benign. Last evaluated: 2026-02-01. Review status: criteria provided, single submitter. Criteria: Invitae Variant Classification Sherloc (09022015). Collection method: clinical testing. Allele origin: germline.

Breakthrough Genomics
Classification: Benign. Review status: criteria provided, single submitter. Criteria: ACMG Guidelines, 2015. Collection method: not provided. Allele origin: germline. Inheritance: Autosomal recessive inheritance. Affected: yes.

PreventionGenetics, part of Exact Sciences
Classification: Benign for NXN-related condition. Last evaluated: 2023-12-27. Review status: no assertion criteria provided. Collection method: clinical testing. Allele origin: germline. Not counted in ClinVar's aggregate classification.
Comment: This variant is classified as benign based on ACMG/AMP sequence variant interpretation guidelines (Richards et al. 2015 PMID: 25741868, with internal and published modifications).